The following is an entry in ClinVar:

ClinVar aggregate classification (germline): Conflicting classifications of pathogenicity. Review status: criteria provided, conflicting classifications (1 of 4 stars). 4 submissions from 4 submitters: Uncertain significance (1); Likely benign (3). Last evaluated 2026-01-27.

Conditions:
Xeroderma pigmentosum (XP). Identifiers: Orphanet 910, MedGen C0043346, MONDO:0019600.

Allele frequency attached by ClinVar (database versions not stated): TOPMed 0.00006; ExAC 0.00008; gnomAD exomes 0.00011; 1000 Genomes Project 30x 0.00016; gnomAD 0.00019; 1000 Genomes Project 0.00020.
gnomAD v4.1: 195 of 1,612,212 alleles (0.012%); highest among the groups gnomAD compares: Middle Eastern, 0.23%; no homozygotes.

Submissions (4):

Labcorp Genetics (formerly Invitae), Labcorp
Classification: Likely benign. Last evaluated: 2026-01-27. Review status: criteria provided, single submitter. Criteria: Invitae Variant Classification Sherloc (09022015). Collection method: clinical testing. Allele origin: germline.

Blueprint Genetics
Classification: Likely benign. Last evaluated: 2024-11-12. Review status: criteria provided, single submitter. Criteria: ACMG Guidelines, 2015. Collection method: clinical testing. Allele origin: germline.

CeGaT Center for Human Genetics Tuebingen
Classification: Likely benign. Last evaluated: 2022-11-01. Review status: criteria provided, single submitter. Criteria: CeGaT Center For Human Genetics Tuebingen Variant Classification Criteria Version 2. Collection method: clinical testing. Allele origin: germline. Affected: yes. Observed: 1 variant allele.
Comment: ERCC2: BP4

Sema4
Classification: Uncertain significance for Xeroderma pigmentosum. Last evaluated: 2021-05-04. Review status: criteria provided, single submitter. Criteria: Sema4 Curation Guidelines. Collection method: curation. Allele origin: germline.
Comment: The ERCC2 c.1378-8C>T variant has not been reported in the literature to our knowledge. It was observed in 20/25030 chromosomes of the Finnish subpopulation in the large and broad cohorts of the Genome Aggregation Database (PMID: 32461654). The variant has been reported in ClinVar (Variation ID 741584). In silico tools suggest the impact of the variant on splicing is neutral, though these predictions have not been confirmed by functional studies. The evidence is insufficient to meet ACMG/AMP criteria for classifying the variant as benign or pathogenic. Thus, the clinical significance of this variant is currently uncertain.

NM_000400.4(ERCC2):c.1378-8C>T

Gene: ERCC2 (ERCC excision repair 2, TFIIH core complex helicase subunit; minus strand). Cytogenetic location: 19q13.32.
Variant type: single nucleotide variant.
Coding change: c.1378-8C>T on transcript NM_000400.4 (MANE Select); 8 bases into the intron before coding-DNA position 1378, C replaced by T.
Molecular consequence: intron variant.
Genome position (GRCh38, 1-based): chr19:45,357,379, G>A on the plus strand (C>T on the coding strand, the complement: ERCC2 is on the minus strand). VCF-style: chr19-45357379-G-A. GRCh37 (hg19) VCF-style: chr19-45860637-G-A.
Identifiers: ClinVar variation 741584 (VCV000741584.34), dbSNP rs558250151, ClinGen allele CA9513309.